The following is an entry in ClinVar:

NM_007294.4(BRCA1):c.4483A>T (p.Arg1495Trp)

Gene: BRCA1 (BRCA1 DNA repair associated; minus strand). Cytogenetic location: 17q21.31.
Variant type: single nucleotide variant.
Coding change: c.4483A>T on transcript NM_007294.4 (MANE Select); coding-DNA position 4483, A replaced by T.
Protein change: p.Arg1495Trp; replaces arginine 1495 with tryptophan.
Molecular consequence: missense variant. On other transcripts: intron variant (3).
Genome position (GRCh38, 1-based): chr17:43,076,489, T>A on the plus strand (A>T on the coding strand, the complement: BRCA1 is on the minus strand). VCF-style: chr17-43076489-T-A. GRCh37 (hg19) VCF-style: chr17-41228506-T-A.
Other names: c.1168A>T, p.Arg390Trp (NM_001408392.1, NM_001408396.1, NM_001408397.1 and 8 more transcripts); c.4546A>T, p.Arg1516Trp (NM_001407583.1, NM_001407585.1, NM_001407587.1 and 1 more transcripts); c.4543A>T, p.Arg1515Trp (NM_001407590.1, NM_001407591.1); c.4483A>T, p.Arg1495Trp (NM_001407593.1, NM_001407597.1, NM_001407598.1 and 8 more transcripts); c.1174A>T, p.Arg392Trp (NM_001407978.1, NM_001407973.1, NM_001407974.1 and 3 more transcripts); c.1171A>T, p.Arg391Trp (NM_001407979.1, NM_001407980.1, NM_001407981.1 and 13 more transcripts); c.1165A>T, p.Arg389Trp (NM_001408406.1, NM_001408407.1, NM_001408408.1); c.1162A>T, p.Arg388Trp (NM_001408409.1); and 71 more; short protein forms R1326W, R1451W, R1453W, R1475W, R1491W, R1494W, R1516W, R304W.
Identifiers: ClinVar variation 2836927 (VCV002836927.3), dbSNP rs2551618798, ClinGen allele CA10592567.

ClinVar aggregate classification (germline): Uncertain significance (1 of 4 stars; one submission).

Conditions:
Hereditary breast ovarian cancer syndrome. Also called: Hereditary breast and ovarian cancer syndrome (HBOC); Breast and ovarian cancer; BRCA1- and BRCA2-Associated Hereditary Breast and Ovarian Cancer; Hereditary breast and ovarian cancer syndrome; Hereditary breast and ovarian cancer; Hereditary breast and/or ovarian cancer syndrome. Identifiers: Orphanet 145, MedGen C0677776, MeSH D061325, MONDO:0003582. Disease mechanism: loss of function.

Submission:

Labcorp Genetics (formerly Invitae), Labcorp
Classification: Uncertain significance for Hereditary breast ovarian cancer syndrome. Last evaluated: 2023-02-14. Review status: criteria provided, single submitter. Criteria: Invitae Variant Classification Sherloc (09022015). Collection method: clinical testing. Allele origin: germline.
Comment: This variant has not been reported in the literature in individuals affected with BRCA1-related conditions. Algorithms developed to predict the effect of missense changes on protein structure and function (SIFT, PolyPhen-2, Align-GVGD) all suggest that this variant is likely to be tolerated. In summary, the available evidence is currently insufficient to determine the role of this variant in disease. Therefore, it has been classified as a Variant of Uncertain Significance. This variant is not present in population databases (gnomAD no frequency). This sequence change replaces arginine, which is basic and polar, with tryptophan, which is neutral and slightly polar, at codon 1495 of the BRCA1 protein (p.Arg1495Trp).